The following is an entry in ClinVar:

ClinVar aggregate classification (germline): Uncertain significance (0 of 4 stars; one submission).

Conditions:
RAD21-related disorder. Also called: RAD21-related condition; RAD21- Related disorders.

Submission:

PreventionGenetics, part of Exact Sciences
Classification: Uncertain significance for RAD21-related condition. Last evaluated: 2024-05-17. Review status: no assertion criteria provided. Collection method: clinical testing. Allele origin: germline.
Comment: The RAD21 c.121G>C variant is predicted to result in the amino acid substitution p.Val41Leu. To our knowledge, this variant has not been reported in the literature or in a large population database, indicating this variant is rare. At this time, the clinical significance of this variant is uncertain due to the absence of conclusive functional and genetic evidence.

NM_006265.3(RAD21):c.121G>C (p.Val41Leu)

Gene: RAD21 (RAD21 cohesin complex component; minus strand). Cytogenetic location: 8q24.11.
Variant type: single nucleotide variant.
Coding change: c.121G>C on transcript NM_006265.3 (MANE Select); coding-DNA position 121, G replaced by C.
Protein change: p.Val41Leu; replaces valine 41 with leucine.
Molecular consequence: missense variant.
Genome position (GRCh38, 1-based): chr8:116,866,609, C>G on the plus strand (G>C on the coding strand, the complement: RAD21 is on the minus strand). VCF-style: chr8-116866609-C-G. GRCh37 (hg19) VCF-style: chr8-117878848-C-G.
Other names: short protein forms V41L.
Identifiers: ClinVar variation 3346558 (VCV003346558.1).
Genomic context (GRCh38, chr8:116,866,609, plus strand): 5'-TCAACAAAGTGAATAAAAATGTCAACATCAAACATACCTTTGGTGAGATGATACTCTCCA[C>G]GCTGCTCTCTAAATTACACTCGAACACATGGGCTTTGGTTAGCTTCTTATCCCAATGGGC-3'
Protein context (NP_006256.1, residues 31-51): HVFECNLESS[Val41Leu]ESIISPKVKM